The following is an entry in ClinVar:

NM_000048.4(ASL):c.1063-14_1063-5del

Gene: ASL (argininosuccinate lyase; plus strand). Cytogenetic location: 7q11.21.
Variant type: Deletion.
Coding change: c.1063-14_1063-5del on transcript NM_000048.4 (MANE Select); 14 bases into the intron before coding-DNA position 1063 through 5 bases into the intron before coding-DNA position 1063, 10 bases deleted (ACCTGTGCCC; older notation c.1063-14_1063-5delACCTGTGCCC).
Molecular consequence: intron variant.
Genome position (GRCh38, 1-based): chr7:66,091,992-66,092,001, ACCTGTGCCC deleted; deleting any 10 consecutive bases within chr7:66,091,988-66,092,001 gives the same sequence; the c. name uses the placement nearest the transcript's 3' end. VCF-style (leftmost placement, unchanged base first): chr7-66091987-CGCCCACCTGT-C. GRCh37 (hg19) VCF-style: chr7-65556974-CGCCCACCTGT-C.
Other names: c.1063-14_1063-5del (NM_001024943.2); c.1003-14_1003-5del (NM_001024944.2); c.985-14_985-5del (NM_001024946.2).
Identifiers: ClinVar variation 2897747 (VCV002897747.3), dbSNP rs2485028121, ClinGen allele CA2683086514.

ClinVar aggregate classification (germline): Uncertain significance (1 of 4 stars; one submission).

Conditions:
Argininosuccinate lyase deficiency. Also called: Argininosuccinic aciduria; ARGININOSUCCINIC ACID LYASE DEFICIENCY; ASL DEFICIENCY. Identifiers: Orphanet 23, MedGen C0268547, MONDO:0008815, OMIM 207900, HP:0025630.

Submission:

Labcorp Genetics (formerly Invitae), Labcorp
Classification: Uncertain significance for Argininosuccinate lyase deficiency. Last evaluated: 2023-07-24. Review status: criteria provided, single submitter. Criteria: Invitae Variant Classification Sherloc (09022015). Collection method: clinical testing. Allele origin: germline.
Comment: This sequence change falls in intron 14 of the ASL gene. It does not directly change the encoded amino acid sequence of the ASL protein. This variant is not present in population databases (gnomAD no frequency). This variant has not been reported in the literature in individuals affected with ASL-related conditions. Algorithms developed to predict the effect of sequence changes on RNA splicing suggest that this variant may disrupt the consensus splice site. In summary, the available evidence is currently insufficient to determine the role of this variant in disease. Therefore, it has been classified as a Variant of Uncertain Significance.